The following is an entry in ClinVar:

ClinVar aggregate classification (germline): Uncertain significance (1 of 4 stars; one submission).

Conditions:
Inborn genetic diseases. Identifiers: MedGen C0950123, MeSH D030342.

Allele frequency attached by ClinVar (database versions not stated): ExAC 0.00001; gnomAD exomes 0.00002; gnomAD 0.00003; TOPMed 0.00008.
gnomAD v4.1: 39 of 1,605,408 alleles (0.0024%); highest among the groups gnomAD compares: Middle Eastern, 0.033%; 1 homozygote.

Submission:

Ambry Genetics
Classification: Uncertain significance for Inborn genetic diseases. Last evaluated: 2021-01-12. Review status: criteria provided, single submitter. Criteria: Ambry Variant Classification Scheme 2023. Collection method: clinical testing. Allele origin: germline.
Comment: The p.R4578C variant (also known as c.13732C>T), located in coding exon 75 of the DST gene, results from a C to T substitution at nucleotide position 13732. The arginine at codon 4578 is replaced by cysteine, an amino acid with highly dissimilar properties. This amino acid position is not well conserved in available vertebrate species. In addition, this alteration is predicted to be tolerated by in silico analysis. Since supporting evidence is limited at this time, the clinical significance of this alteration remains unclear.

NM_001374736.1(DST):c.20089C>T (p.Arg6697Cys)

Gene: DST (dystonin; minus strand). Cytogenetic location: 6p12.1.
Variant type: single nucleotide variant.
Coding change: c.20089C>T on transcript NM_001374736.1 (MANE Select); coding-DNA position 20089, C replaced by T.
Protein change: p.Arg6697Cys; replaces arginine 6697 with cysteine.
Molecular consequence: missense variant.
Genome position (GRCh38, 1-based): chr6:56,497,861, G>A on the plus strand (C>T on the coding strand, the complement: DST is on the minus strand). VCF-style: chr6-56497861-G-A. GRCh37 (hg19) VCF-style: chr6-56362659-G-A.
Other names: c.13732C>T, p.Arg4578Cys (NM_001144769.5); c.13318C>T, p.Arg4440Cys (NM_001144770.2); c.20089C>T, p.Arg6697Cys (NM_001374722.1); c.19129C>T, p.Arg6377Cys (NM_001374729.1); c.12871C>T, p.Arg4291Cys (NM_001374730.1); c.20116C>T, p.Arg6706Cys (NM_001374734.1); c.13198C>T, p.Arg4400Cys (NM_001386100.1, NM_183380.4); c.12220C>T, p.Arg4074Cys (NM_015548.5); short protein forms R4074C, R4440C, R6697C, R4400C, R6377C, R4291C, R4578C, R6706C.
Identifiers: ClinVar variation 1771088 (VCV001771088.2), dbSNP rs778539752, ClinGen allele CA3866849.
Genomic context (GRCh38, chr6:56,497,861, plus strand): 5'-TGCTATTTTGGTCTTGAATGCTATAAAAACTTTCAGAATTTATTCTCTTACTCACCTGGC[G>A]CAAGGCACCATCCAGCTGCTGCTTCCTTTGTTCTGTTTTTTCCAAAACATTTTGCCAGCG-3'
Protein context (NP_001361665.1, residues 6687-6707): QRKQQLDGAL[Arg6697Cys]QAKGFHGEIE